The following is an entry in ClinVar:

NM_000156.6(GAMT):c.352G>T (p.Glu118Ter)

Gene: GAMT (guanidinoacetate N-methyltransferase; minus strand). Cytogenetic location: 19p13.3.
Variant type: single nucleotide variant.
Coding change: c.352G>T on transcript NM_000156.6 (MANE Select); coding-DNA position 352, G replaced by T.
Protein change: p.Glu118Ter; replaces glutamic acid 118 with a stop codon.
Molecular consequence: nonsense.
Genome position (GRCh38, 1-based): chr19:1,399,563, C>A on the plus strand (G>T on the coding strand, the complement: GAMT is on the minus strand). VCF-style: chr19-1399563-C-A. GRCh37 (hg19) VCF-style: chr19-1399562-C-A.
Other names: NM_138924.3:c.352G>T; c.352G>T, p.Glu118Ter (NM_138924.3); short protein forms E118*.
Identifiers: ClinVar variation 4537500 (VCV004537500.1).

ClinVar aggregate classification (germline): Pathogenic (3 of 4 stars; one submission).

Conditions:
Deficiency of guanidinoacetate methyltransferase (CCDS2). Also called: GAMT DEFICIENCY; CEREBRAL CREATINE DEFICIENCY SYNDROME 2; Guanidinoacetate Methyltransferase (GAMT) Deficiency. Identifiers: Orphanet 382, MedGen C0574080, MONDO:0012999, OMIM 612736.

Submission:

ClinGen Cerebral Creatine Deficiency Syndromes Variant Curation Expert Panel, ClinGen
Classification: Pathogenic for Deficiency of guanidinoacetate methyltransferase. Last evaluated: 2025-12-10. Review status: reviewed by expert panel. Criteria: ClinGen CCDS ACMG Specifications GAMT V2.0.0. Collection method: curation. Allele origin: germline. Inheritance: Autosomal recessive inheritance.
Comment: The NM_000156.6:c.352G>T (p.Glu118*) variant in GAMT is a nonsense variant predicted to cause a premature stop codon in biologically-relevant-exon 3/6, leading to nonsense mediated decay in a gene in which loss-of-function is an established disease mechanism (PVS1). This variant has been detected in at least one individual with GAMT deficiency (PMID: 40105081), who was compound heterozygous for this variant and a likely pathogenic variant c.327+43G>A, which was confirmed in trans by parental testing. This patient had significantly decreased creatine peak on brain MRS (GAA not reported) (PP4_Moderate). This variant is absent in gnomAD v4.1.0. (PM2_Supporting). There is no ClinVar entry for this variant. In summary, this variant meets the criteria to be classified as pathogenic for GAMT deficiency based on the GAMT-specific ACMG/AMP criteria applied, as specified by the ClinGen Cerebral Creatine Deficiency Syndromes Variant Curation Expert Panel (Specifications Version 2.0.0): PVS1, PM2_Supporting, PP4_Moderate. (Classification approved by the ClinGen Cerebral Creatine Deficiency Syndromes Variant Curation Expert Panel on December 10, 2025)